The following is an entry in ClinVar:

ClinVar aggregate classification (germline): Pathogenic/Likely pathogenic. Review status: criteria provided, multiple submitters, no conflicts (2 of 4 stars). 2 submissions from 2 submitters: Pathogenic (1); Likely pathogenic (1). Last evaluated 2024-04-29.

Submissions (2):

GeneDx
Classification: Likely pathogenic. Last evaluated: 2024-04-29. Review status: criteria provided, single submitter. Criteria: GeneDx Variant Classification Process June 2021. Collection method: clinical testing. Allele origin: germline. Affected: yes.
Comment: Nonsense variant predicted to result in protein truncation or nonsense mediated decay in a gene for which loss of function is a known mechanism of disease; Not observed at significant frequency in large population cohorts (gnomAD); Has not been previously published as pathogenic or benign to our knowledge

Labcorp Genetics (formerly Invitae), Labcorp
Classification: Pathogenic. Last evaluated: 2023-06-15. Review status: criteria provided, single submitter. Criteria: Invitae Variant Classification Sherloc (09022015). Collection method: clinical testing. Allele origin: germline.
Comment: This sequence change creates a premature translational stop signal (p.Arg261*) in the DEAF1 gene. It is expected to result in an absent or disrupted protein product. Loss-of-function variants in DEAF1 are known to be pathogenic (PMID: 30923367). For these reasons, this variant has been classified as Pathogenic. ClinVar contains an entry for this variant (Variation ID: 1676378). This variant has not been reported in the literature in individuals affected with DEAF1-related conditions. This variant is present in population databases (rs778326610, gnomAD 0.0009%).

Literature cited by the submitters: PubMed 30923367 (cited by Labcorp Genetics (formerly Invitae), Labcorp).

NM_021008.4(DEAF1):c.781C>T (p.Arg261Ter)

Gene: DEAF1 (DEAF1 transcription factor; minus strand). Cytogenetic location: 11p15.5.
Variant type: single nucleotide variant.
Coding change: c.781C>T on transcript NM_021008.4 (MANE Select); coding-DNA position 781, C replaced by T.
Protein change: p.Arg261Ter; replaces arginine 261 with a stop codon.
Molecular consequence: nonsense. On other transcripts: intron variant (1).
Genome position (GRCh38, 1-based): chr11:686,881, G>A on the plus strand (C>T on the coding strand, the complement: DEAF1 is on the minus strand). VCF-style: chr11-686881-G-A. GRCh37 (hg19) VCF-style: chr11-686881-G-A.
Other names: c.55C>T, p.Arg19Ter (NM_001367390.1, NM_001440885.1, NM_001440886.1 and 1 more transcripts); c.781C>T, p.Arg261Ter (NM_001440883.1, NM_001440884.1); c.664+1030C>T (NM_001293634.2); short protein forms R19*, R261*.
Identifiers: ClinVar variation 1676378 (VCV001676378.7), dbSNP rs778326610, ClinGen allele CA5786437.